The following is an entry in ClinVar:

ClinVar aggregate classification (germline): Uncertain significance. Review status: criteria provided, multiple submitters, no conflicts (2 of 4 stars). 2 submissions from 2 submitters: Uncertain significance (2). Last evaluated 2024-07-09.

Conditions:
Pancreatic adenocarcinoma. Identifiers: MedGen C0281361, MONDO:0006047, HP:0006725.

Submissions (2):

Ambry Genetics
Classification: Uncertain significance. Last evaluated: 2024-07-09. Review status: criteria provided, single submitter. Criteria: Ambry Variant Classification Scheme 2023. Collection method: clinical testing. Allele origin: germline.
Comment: The p.S882L variant (also known as c.2645C>T), located in coding exon 14 of the PALLD gene, results from a C to T substitution at nucleotide position 2645. The serine at codon 882 is replaced by leucine, an amino acid with dissimilar properties. This amino acid position is conserved. In addition, this alteration is predicted to be tolerated by in silico analysis. Since supporting evidence is limited at this time, the clinical significance of this alteration remains unclear.

Labcorp Genetics (formerly Invitae), Labcorp
Classification: Uncertain significance for Pancreatic adenocarcinoma. Last evaluated: 2022-04-22. Review status: criteria provided, single submitter. Criteria: Invitae Variant Classification Sherloc (09022015). Collection method: clinical testing. Allele origin: germline.
Comment: This sequence change replaces serine, which is neutral and polar, with leucine, which is neutral and non-polar, at codon 395 of the PALLD protein (p.Ser395Leu). This variant is not present in population databases (gnomAD no frequency). This variant has not been reported in the literature in individuals affected with PALLD-related conditions. Algorithms developed to predict the effect of missense changes on protein structure and function are either unavailable or do not agree on the potential impact of this missense change (SIFT: "Deleterious"; PolyPhen-2: "Benign"; Align-GVGD: "Class C65"). In summary, the available evidence is currently insufficient to determine the role of this variant in disease. Therefore, it has been classified as a Variant of Uncertain Significance.

NM_001166108.2(PALLD):c.2696C>T (p.Ser899Leu)

Genes: CBR4 (carbonyl reductase 4; minus strand), PALLD (palladin, cytoskeletal associated protein; plus strand). Cytogenetic location: 4q32.3.
Variant type: single nucleotide variant.
Coding change: c.2696C>T on transcript NM_001166108.2 (MANE Select); coding-DNA position 2696, C replaced by T.
Protein change: p.Ser899Leu; replaces serine 899 with leucine.
Molecular consequence: missense variant.
Genome position (GRCh38, 1-based): chr4:168,914,000, C>T. VCF-style: chr4-168914000-C-T. GRCh37 (hg19) VCF-style: chr4-169835151-C-T.
Other names: c.1499C>T, p.Ser500Leu (NM_001166109.2); c.1184C>T, p.Ser395Leu (NM_001166110.2); c.524C>T, p.Ser175Leu (NM_001367567.1, NM_001367569.1); c.575C>T, p.Ser192Leu (NM_001367568.1, NM_001367570.1); c.2645C>T, p.Ser882Leu (NM_016081.4); short protein forms S175L, S192L, S500L, S882L, S899L, S395L.
Identifiers: ClinVar variation 1794238 (VCV001794238.8), dbSNP rs2534044036, ClinGen allele CA358705284.